The following is an entry in ClinVar:

ClinVar aggregate classification (germline): Uncertain significance (1 of 4 stars; one submission).

Allele frequency attached by ClinVar (database versions not stated): TOPMed 0.00011; gnomAD 0.00015; ExAC 0.00017; ESP Exome Variant Server 0.00018.
gnomAD v4.1: 308 of 1,534,834 alleles (0.02%); highest among the groups gnomAD compares: Middle Eastern, 0.069%; 1 homozygote.

Submission:

Labcorp Genetics (formerly Invitae), Labcorp
Classification: Uncertain significance. Last evaluated: 2024-01-01. Review status: criteria provided, single submitter. Criteria: Invitae Variant Classification Sherloc (09022015). Collection method: clinical testing. Allele origin: germline.
Comment: This sequence change falls in intron 3 of the PALM gene. It does not directly change the encoded amino acid sequence of the PALM protein. It affects a nucleotide within the consensus splice site. This variant is present in population databases (rs372993106, gnomAD 0.04%). This variant has not been reported in the literature in individuals affected with PALM-related conditions. Variants that disrupt the consensus splice site are a relatively common cause of aberrant splicing (PMID: 17576681, 9536098). Algorithms developed to predict the effect of sequence changes on RNA splicing suggest that this variant is not likely to affect RNA splicing. In summary, the available evidence is currently insufficient to determine the role of this variant in disease. Therefore, it has been classified as a Variant of Uncertain Significance.

Literature cited by the submitters: PubMed 17576681; PubMed 9536098.

NM_002579.3(PALM):c.138+5G>A

Gene: PALM (paralemmin; plus strand). Cytogenetic location: 19p13.3.
Variant type: single nucleotide variant.
Coding change: c.138+5G>A on transcript NM_002579.3 (MANE Select); 5 bases into the intron after coding-DNA position 138, G replaced by A.
Molecular consequence: intron variant.
Genome position (GRCh38, 1-based): chr19:727,093, G>A. VCF-style: chr19-727093-G-A. GRCh37 (hg19) VCF-style: chr19-727093-G-A.
Other names: c.138+5G>A (NM_001040134.2).
Identifiers: ClinVar variation 2918805 (VCV002918805.3), dbSNP rs372993106, ClinGen allele CA9022428.